The following is an entry in ClinVar:

ClinVar aggregate classification (germline): Uncertain significance. Review status: criteria provided, multiple submitters, no conflicts (2 of 4 stars). 2 submissions from 2 submitters: Uncertain significance (2). Last evaluated 2021-08-23.

Conditions:
Familial adenomatous polyposis 1 (FAP1). Also called: FAMILIAL ADENOMATOUS POLYPOSIS 1, ATTENUATED; POLYPOSIS, ADENOMATOUS INTESTINAL. Identifiers: MedGen C2713442, MONDO:0021056, OMIM 175100. Disease mechanism: loss of function.

Submissions (2):

Labcorp Genetics (formerly Invitae), Labcorp
Classification: Uncertain significance for Familial adenomatous polyposis 1. Last evaluated: 2021-08-23. Review status: criteria provided, single submitter. Criteria: Invitae Variant Classification Sherloc (09022015). Collection method: clinical testing. Allele origin: germline.
Comment: This sequence change replaces glutamine with histidine at codon 65 of the APC protein (p.Gln65His). The glutamine residue is highly conserved and there is a small physicochemical difference between glutamine and histidine. This variant is not present in population databases (ExAC no frequency). This variant has not been reported in the literature in individuals affected with APC-related conditions. ClinVar contains an entry for this variant (Variation ID: 495353). Algorithms developed to predict the effect of missense changes on protein structure and function are either unavailable or do not agree on the potential impact of this missense change (SIFT: "Deleterious"; PolyPhen-2: "Benign"; Align-GVGD: "Class C0"). In summary, the available evidence is currently insufficient to determine the role of this variant in disease. Therefore, it has been classified as a Variant of Uncertain Significance.

Women's Health and Genetics/Laboratory Corporation of America, LabCorp
Classification: Uncertain significance. Last evaluated: 2017-01-19. Review status: criteria provided, single submitter. Criteria: LabCorp Variant Classification Summary - May 2015. Collection method: clinical testing. Allele origin: germline.
Comment: Variant summary: The APC c.195G>C (p.Gln65His) variant involves the alteration of a non-conserved nucleotide. 3/4 in silico tools predict a damaging outcome for this variant (SNPs&GO not captured due to low reliability index). This variant is absent in 121020 control chromosomes. The variant of interest has not, to our knowledge, been reported in affected individuals via publications and/or reputable databases/clinical diagnostic laboratories; nor evaluated for functional impact by in vivo/vitro studies. Because of the absence of clinical information and the lack of functional studies, the variant is classified as a variant of uncertain significance (VUS) until additional information becomes available.

NM_000038.6(APC):c.195G>C (p.Gln65His)

Gene: APC (APC regulator of Wnt signaling pathway; plus strand). Cytogenetic location: 5q22.2.
Variant type: single nucleotide variant.
Coding change: c.195G>C on transcript NM_000038.6 (MANE Select); coding-DNA position 195, G replaced by C.
Protein change: p.Gln65His; replaces glutamine 65 with histidine.
Molecular consequence: missense variant. On other transcripts: 5 prime UTR variant (1).
Genome position (GRCh38, 1-based): chr5:112,766,385, G>C. VCF-style: chr5-112766385-G-C. GRCh37 (hg19) VCF-style: chr5-112102082-G-C.
Other names: c.195G>C, p.Gln65His (NM_001127510.3, NM_001354895.2, NM_001354896.2 and 2 more transcripts); c.225G>C, p.Gln75His (NM_001127511.3, NM_001354897.2, NM_001354902.2); c.120G>C, p.Gln40His (NM_001354898.2, NM_001354904.2); c.18G>C, p.Gln6His (NM_001354900.2, NM_001354901.2, NM_001354905.2); c.-841G>C (NM_001354906.2); short protein forms Q65H, Q75H, Q40H, Q6H.
Identifiers: ClinVar variation 495353 (VCV000495353.6), dbSNP rs1554069548, ClinGen allele CA16021768.
Genomic context (GRCh38, chr5:112,766,385, plus strand): 5'-GGAAGTACTTAAACAACTACAAGGAAGTATTGAAGATGAAGCTATGGCTTCTTCTGGACA[G>C]ATTGATTTATTAGAGCGTCTTAAAGGTAGATTTTAAAAAGGTGTTTTAAAATAATTTTTT-3'
Protein context (NP_000029.2, residues 55-75): IEDEAMASSG[Gln65His]IDLLERLKEL